The following is an entry in ClinVar:

ClinVar aggregate classification (germline): Uncertain significance (1 of 4 stars; one submission).

Submission:

GeneDx
Classification: Uncertain significance. Last evaluated: 2019-10-25. Review status: criteria provided, single submitter. Criteria: GeneDx Variant Classification Process June 2021. Collection method: clinical testing. Allele origin: germline. Affected: yes.
Comment: Not observed in large population cohorts (Lek et al., 2016); In silico analysis, which includes splice predictors and evolutionary conservation, supports that this variant does not alter protein structure/function; Has not been previously published as pathogenic or benign to our knowledge

NM_001378609.3(OTOGL):c.79+5G>A

Gene: OTOGL (otogelin like; plus strand). Cytogenetic location: 12q21.31.
Variant type: single nucleotide variant.
Coding change: c.79+5G>A on transcript NM_001378609.3 (MANE Select); 5 bases into the intron after coding-DNA position 79, G replaced by A.
Molecular consequence: intron variant.
Genome position (GRCh38, 1-based): chr12:80,209,515, G>A. VCF-style: chr12-80209515-G-A. GRCh37 (hg19) VCF-style: chr12-80603295-G-A.
Other names: c.79+5G>A (NM_001368062.3, NM_001378610.3, NM_173591.7).
Identifiers: ClinVar variation 1190428 (VCV001190428.2), dbSNP rs1477091831, ClinGen allele CA2499221856.